The following is an entry in ClinVar:

NM_001985.3(ETFB):c.438+5G>T

Gene: ETFB (electron transfer flavoprotein subunit beta; minus strand). Cytogenetic location: 19q13.41.
Variant type: single nucleotide variant.
Coding change: c.438+5G>T on transcript NM_001985.3 (MANE Select); 5 bases into the intron after coding-DNA position 438, G replaced by T.
Molecular consequence: intron variant.
Genome position (GRCh38, 1-based): chr19:51,350,324, C>A on the plus strand (G>T on the coding strand, the complement: ETFB is on the minus strand). VCF-style: chr19-51350324-C-A. GRCh37 (hg19) VCF-style: chr19-51853578-C-A.
Other names: c.711+5G>T (NM_001014763.1).
Identifiers: ClinVar variation 1445052 (VCV001445052.4), dbSNP rs1450691951, ClinGen allele CA633730299.

ClinVar aggregate classification (germline): Uncertain significance (1 of 4 stars; one submission).

Conditions:
Multiple acyl-CoA dehydrogenase deficiency (MADD). Also called: ETHYLMALONIC-ADIPICACIDURIA; GA II; Glutaric acidemia type II; GA 2; Glutaric Acidemia type 2; Glutaric aciduria, type 2. Identifiers: Orphanet 26791, MedGen C0268596, MONDO:0009282, OMIM 231680.

Allele frequency attached by ClinVar (database versions not stated): gnomAD exomes below 0.00001 and 0.00001; TOPMed below 0.00001; gnomAD 0.00001.
gnomAD v4.1: 4 of 1,610,050 alleles (0.00025%); highest among the groups gnomAD compares: Admixed American, 0.0017%; no homozygotes.

Submission:

Labcorp Genetics (formerly Invitae), Labcorp
Classification: Uncertain significance for Multiple acyl-CoA dehydrogenase deficiency. Last evaluated: 2021-12-02. Review status: criteria provided, single submitter. Criteria: Invitae Variant Classification Sherloc (09022015). Collection method: clinical testing. Allele origin: germline.
Comment: In summary, the available evidence is currently insufficient to determine the role of this variant in disease. Therefore, it has been classified as a Variant of Uncertain Significance. Variants that disrupt the consensus splice site are a relatively common cause of aberrant splicing (PMID: 17576681, 9536098). Algorithms developed to predict the effect of sequence changes on RNA splicing suggest that this variant may disrupt the consensus splice site. This variant has not been reported in the literature in individuals affected with ETFB-related conditions. The frequency data for this variant in the population databases is considered unreliable, as metrics indicate poor data quality at this position in the gnomAD database. This sequence change falls in intron 4 of the ETFB gene. It does not directly change the encoded amino acid sequence of the ETFB protein. It affects a nucleotide within the consensus splice site.

Literature cited by the submitters: PubMed 17576681; PubMed 9536098.